The following is an entry in ClinVar:

ClinVar aggregate classification (germline): Pathogenic/Likely pathogenic. Review status: criteria provided, multiple submitters, no conflicts (2 of 4 stars). 3 submissions from 3 submitters: Pathogenic (1); Likely pathogenic (2). Last evaluated 2024-07-11.

Conditions:
SLC25A15-related disorder. Also called: SLC25A15-related condition.
Hyperornithinemia-hyperammonemia-homocitrullinuria syndrome (HHHS). Also called: HHH SYNDROME; Ornithine translocase deficiency. Identifiers: Orphanet 415, MedGen C0268540, MONDO:0009393, OMIM 238970.

Allele frequency attached by ClinVar (database versions not stated): gnomAD exomes below 0.00001; TOPMed 0.00001.
gnomAD v4.1: 1 of 1,600,600 alleles (0.000062%); highest among the groups gnomAD compares: Non-Finnish European, 0.000085%; no homozygotes.

Submissions (3):

Natera, Inc.
Classification: Likely pathogenic for Hyperornithinemia-hyperammonemia-homocitrullinuria syndrome. Last evaluated: 2024-07-11. Review status: criteria provided, single submitter. Criteria: Natera Variant Classification Schema (03/2026). Collection method: clinical testing. Allele origin: germline.
Comment: The c.781+1G>A variant in SLC25A15 is a canonical splice donor site variant predicted to affect pre-mRNA splicing, which may result in an abnormal transcript and altered protein product. This variant is expected to result in nonsense mediated decay, truncation, or a dysfunctional protein product. This variant is rare in the general population with a frequency below the threshold expected for the associated phenotype(s). This variant has been observed in one or more individuals affected with the associated recessive disease, as either homozygous or compound heterozygous with a second variant (PMID: 11668643). Functional studies show that this variant may disrupt protein function (PMID: 11668643). Given the available evidence, this variant is classified as Likely Pathogenic.

Labcorp Genetics (formerly Invitae), Labcorp
Classification: Pathogenic for Hyperornithinemia-hyperammonemia-homocitrullinuria syndrome. Last evaluated: 2023-05-02. Review status: criteria provided, single submitter. Criteria: Invitae Variant Classification Sherloc (09022015). Collection method: clinical testing. Allele origin: germline.
Comment: Disruption of this splice site has been observed in individual(s) with hyperornithinemia-hyperammonemia-homocitrullinuria syndrome (PMID: 11668643). For these reasons, this variant has been classified as Pathogenic. This variant disrupts a region of the SLC25A15 protein in which other variant(s) (p.Gly220Arg) have been determined to be pathogenic (PMID: 17825324, 23430880). This suggests that this is a clinically significant region of the protein, and that variants that disrupt it are likely to be disease-causing. Variants that disrupt the consensus splice site are a relatively common cause of aberrant splicing (PMID: 17576681, 9536098). Studies have shown that disruption of this splice site results in skipping of exon 6, but is expected to preserve the integrity of the reading-frame (PMID: 11668643). ClinVar contains an entry for this variant (Variation ID: 2137490). This variant is also known as IVS5+1G>A. This variant is not present in population databases (gnomAD no frequency). This sequence change affects a donor splice site in intron 6 of the SLC25A15 gene. RNA analysis indicates that disruption of this splice site induces altered splicing and likely results in a shortened protein product.

PreventionGenetics, part of Exact Sciences
Classification: Likely pathogenic for SLC25A15-related condition. Last evaluated: 2023-01-24. Review status: criteria provided, single submitter. Criteria: ACMG Guidelines, 2015. Collection method: clinical testing. Allele origin: germline.
Comment: The SLC25A15 c.781+1G>A variant is predicted to disrupt the GT donor site and interfere with normal splicing. In the literature, this variant has been reported as IVS5+1G>A. This variant was reported in the homozygous state in an an individual with hyperornithinemia, hyperammonemia, and homocitrullinuria syndrome (Patient H4, Salvi et al. 2001. PubMed ID: 11668643; Fiermonte et al. 2003. PubMed ID: 12807890). Functional studies showed that this variant resulted in exon skipping (Salvi et al. 2001. PubMed ID: 11668643; Fiermonte et al. 2003. PubMed ID: 12807890). This variant has not been reported in a large population database, indicating this variant is rare. Variants that disrupt the consensus splice donor site in SLC25A15 are expected to be pathogenic. This variant is interpreted as likely pathogenic.

Literature cited by the submitters: PubMed 11668643 (cited by Natera, Inc. and Labcorp Genetics (formerly Invitae), Labcorp); PubMed 17825324 (cited by Labcorp Genetics (formerly Invitae), Labcorp); PubMed 23430880 (cited by Labcorp Genetics (formerly Invitae), Labcorp); PubMed 17576681 (cited by Labcorp Genetics (formerly Invitae), Labcorp); PubMed 9536098 (cited by Labcorp Genetics (formerly Invitae), Labcorp).

NM_014252.4(SLC25A15):c.781+1G>A

Gene: SLC25A15 (solute carrier family 25 member 15; plus strand). Cytogenetic location: 13q14.11.
Variant type: single nucleotide variant.
Coding change: c.781+1G>A on transcript NM_014252.4 (MANE Select); the canonical splice donor site of the intron after coding-DNA position 781, G replaced by A.
Molecular consequence: splice donor variant.
Genome position (GRCh38, 1-based): chr13:40,808,597, G>A. VCF-style: chr13-40808597-G-A. GRCh37 (hg19) VCF-style: chr13-41382733-G-A.
Other names: c.781+1G>A (NM_014252.3).
Identifiers: ClinVar variation 2137490 (VCV002137490.7), dbSNP rs1882296805, ClinGen allele CA387919267.
Genomic context (GRCh38, chr13:40,808,597, plus strand): 5'-CCATGTCTGGAAAACAGGCAGGATTTATCAGAACCTTTATAAATGTTGTGAAAAATGAAG[G>A]TGAGTAAATACCTGTTTTTCAAGCATCTATATACATCTTAAAATCTGAGATACGGGCCGG-3'